The following is an entry in ClinVar:

ClinVar aggregate classification (germline): Uncertain significance (1 of 4 stars; one submission).

Conditions:
Hypertrophic cardiomyopathy 9. Also called: Familial hypertrophic cardiomyopathy 9. Identifiers: MedGen C1861065, MONDO:0013412, OMIM 613765.
Dilated cardiomyopathy 1G (CMD1G). Identifiers: Orphanet 154, MedGen C1858763, MONDO:0011400, OMIM 604145.

Submission:

New York Genome Center
Classification: Uncertain significance for Hypertrophic cardiomyopathy 9; Dilated cardiomyopathy 1G. Last evaluated: 2022-04-06. Review status: criteria provided, single submitter. Criteria: NYGC Assertion Criteria 2020. Collection method: clinical testing. Allele origin: germline. Observed: 1 variant allele.
Comment: The c.80294T>C p.(Val26765Ala) variant in TTN has not previously been reported in the literature or public variant repositories (ClinVar and LOVD), and is absent from population databases (gnomAD v2.1.1 and v3.1.2, TOPMed Freeze 8), suggesting it is not a common benign variant in the populations represented in those databases. The c.80294T>C variant is located in exon 326 of this 363-exon gene and predicted to replace a moderately conserved valine amino acid with alanine atposition 26765 in the A-band of the encoded protein. In silico predictions are inconclusive of the variant's effect (CADD v1.6 = 29.1, REVEL = 0.245); however, there are no functional studies to support or refute these predictions. Based on available evidence this c.80294T>C p.(Val26765Ala) variant identified in TTN is classified as a Variant of Uncertain Significance.

NM_001267550.2(TTN):c.80294T>C (p.Val26765Ala)

Genes: TTN-AS1 (TTN antisense RNA 1; plus strand), TTN (titin; minus strand). Cytogenetic location: 2q31.2.
Variant type: single nucleotide variant.
Coding change: c.80294T>C on transcript NM_001267550.2 (MANE Select); coding-DNA position 80294, T replaced by C.
Protein change: p.Val26765Ala; replaces valine 26765 with alanine.
Molecular consequence: missense variant.
Genome position (GRCh38, 1-based): chr2:178,565,838, A>G on the plus strand (T>C on the coding strand, the complement: TTN is on the minus strand). VCF-style: chr2-178565838-A-G. GRCh37 (hg19) VCF-style: chr2-179430565-A-G.
Other names: c.75371T>C, p.Val25124Ala (NM_001256850.1); c.53099T>C, p.Val17700Ala (NM_003319.4); c.72590T>C, p.Val24197Ala (NM_133378.4); c.53474T>C, p.Val17825Ala (NM_133432.3); c.53675T>C, p.Val17892Ala (NM_133437.4); short protein forms V17700A, V17825A, V17892A, V24197A, V25124A, V26765A.
Identifiers: ClinVar variation 2502233 (VCV002502233.2), dbSNP rs1469008305, ClinGen allele CA349589632.